The following is an entry in ClinVar:

NM_001365536.1(SCN9A):c.688+13_688+14inv

Gene: SCN9A (sodium voltage-gated channel alpha subunit 9; minus strand). Cytogenetic location: 2q24.3.
Variant type: Inversion.
Coding change: c.688+13_688+14inv on transcript NM_001365536.1 (MANE Select).
Molecular consequence: intron variant.
Genome position: GRCh38 VCF-style: chr2-166304224-CA-TG. GRCh37 (hg19) VCF-style: chr2-167160734-CA-TG.
Other names: c.688+13_688+14inv (NM_002977.4).
Identifiers: ClinVar variation 4786263 (VCV004786263.1).

ClinVar aggregate classification (germline): Uncertain significance (1 of 4 stars; one submission).

Conditions:
Neuropathy, hereditary sensory and autonomic, type 2A (HSAN2A). Also called: WNK1-Related HSAN2 (HSAN2A); ACROOSTEOLYSIS, GIACCAI TYPE; ACROOSTEOLYSIS, NEUROGENIC; MORVAN DISEASE; NEUROPATHY, CONGENITAL SENSORY; NEUROPATHY, HEREDITARY SENSORY RADICULAR, AUTOSOMAL RECESSIVE. Identifiers: Orphanet 970, MedGen C2752089, MONDO:0024309, OMIM 201300.
Generalized epilepsy with febrile seizures plus, type 7 (GEFSP7). Also called: GEFS+, TYPE 7. Identifiers: Orphanet 36387, MedGen C2751778, MONDO:0013470, OMIM 613863.

Submission:

Labcorp Genetics (formerly Invitae), Labcorp
Classification: Uncertain significance for Neuropathy, hereditary sensory and autonomic, type 2A; Generalized epilepsy with febrile seizures plus, type 7. Last evaluated: 2025-10-25. Review status: criteria provided, single submitter. Criteria: Invitae Variant Classification Sherloc (09022015). Collection method: clinical testing. Allele origin: germline.
Comment: This sequence change falls in intron 6 of the SCN9A gene. It does not directly change the encoded amino acid sequence of the SCN9A protein. Information on the frequency of this variant in the gnomAD database is not available, as this variant may be reported differently in the database. This variant has not been reported in the literature in individuals affected with SCN9A-related conditions. In summary, the available evidence is currently insufficient to determine the role of this variant in disease. Therefore, it has been classified as a Variant of Uncertain Significance.